The following is an entry in ClinVar:

ClinVar aggregate classification (germline): Pathogenic (1 of 4 stars; one submission).

Submission:

Labcorp Genetics (formerly Invitae), Labcorp
Classification: Pathogenic. Last evaluated: 2024-02-23. Review status: criteria provided, single submitter. Criteria: Invitae Variant Classification Sherloc (09022015). Collection method: clinical testing. Allele origin: germline.
Comment: This sequence change creates a premature translational stop signal (p.Tyr37Glnfs*5) in the CTSK gene. It is expected to result in an absent or disrupted protein product. Loss-of-function variants in CTSK are known to be pathogenic (PMID: 12125807, 21569238). This variant is not present in population databases (gnomAD no frequency). This variant has not been reported in the literature in individuals affected with CTSK-related conditions. For these reasons, this variant has been classified as Pathogenic.

Literature cited by the submitters: PubMed 12125807; PubMed 21569238.

NM_000396.4(CTSK):c.109_113del (p.Tyr37fs)

Gene: CTSK (cathepsin K; minus strand). Cytogenetic location: 1q21.3.
Variant type: Deletion.
Coding change: c.109_113del on transcript NM_000396.4 (MANE Select); coding-DNA positions 109 to 113, 5 bases deleted (TATAA; older notation c.109_113delTATAA).
Protein change: p.Tyr37fs; shifts the reading frame from tyrosine 37.
Molecular consequence: frameshift variant.
Genome position (GRCh38, 1-based): chr1:150,806,693-150,806,697, TTATA deleted on the plus strand (TATAA on the coding strand, the reverse complement: CTSK is on the minus strand); deleting any 5 consecutive bases within chr1:150,806,693-150,806,699 gives the same sequence; the c. name uses the placement nearest the transcript's 3' end. VCF-style (leftmost placement, unchanged base first): chr1-150806692-GTTATA-G. GRCh37 (hg19) VCF-style: chr1-150779168-GTTATA-G.
Other names: short protein forms Y37fs.
Identifiers: ClinVar variation 3642902 (VCV003642902.2).